The following is an entry in ClinVar:

NM_015166.4(MLC1):c.217G>C (p.Gly73Arg)

Genes: MLC1 (modulator of VRAC current 1; minus strand), LOC125446261 (Sharpr-MPRA regulatory region 9327; plus strand). Cytogenetic location: 22q13.33.
Variant type: single nucleotide variant.
Coding change: c.217G>C on transcript NM_015166.4 (MANE Select); coding-DNA position 217, G replaced by C.
Protein change: p.Gly73Arg; replaces glycine 73 with arginine.
Molecular consequence: missense variant. On other transcripts: 5 prime UTR variant (1), non-coding transcript variant (3), intron variant (1).
Genome position (GRCh38, 1-based): chr22:50,083,134, C>G on the plus strand (G>C on the coding strand, the complement: MLC1 is on the minus strand). VCF-style: chr22-50083134-C-G. GRCh37 (hg19) VCF-style: chr22-50521563-C-G.
Other names: c.217G>C, p.Gly73Arg (NM_001376472.1, NM_001376473.1, NM_001376474.1 and 9 more transcripts); c.-21G>C (NM_001376484.1); c.177+1592G>C (NM_001376480.1); short protein forms G73R.
Identifiers: ClinVar variation 3661254 (VCV003661254.2).

ClinVar aggregate classification (germline): Likely pathogenic (1 of 4 stars; one submission).

Submission:

Labcorp Genetics (formerly Invitae), Labcorp
Classification: Likely pathogenic. Last evaluated: 2024-08-02. Review status: criteria provided, single submitter. Criteria: Invitae Variant Classification Sherloc (09022015). Collection method: clinical testing. Allele origin: germline.
Comment: This sequence change replaces glycine, which is neutral and non-polar, with arginine, which is basic and polar, at codon 73 of the MLC1 protein (p.Gly73Arg). This variant is not present in population databases (gnomAD no frequency). This missense change has been observed in individual(s) with megalencephalic leukoencephalopathy with subcortical cysts (PMID: 25919557). In at least one individual the data is consistent with being in trans (on the opposite chromosome) from a pathogenic variant. Advanced modeling of protein sequence and biophysical properties (such as structural, functional, and spatial information, amino acid conservation, physicochemical variation, residue mobility, and thermodynamic stability) performed at Invitae indicates that this missense variant is not expected to disrupt MLC1 protein function with a negative predictive value of 80%. This variant disrupts the p.Gly73 amino acid residue in MLC1. Other variant(s) that disrupt this residue have been determined to be pathogenic (PMID: 21160490, 27322623). This suggests that this residue is clinically significant, and that variants that disrupt this residue are likely to be disease-causing. In summary, the currently available evidence indicates that the variant is pathogenic, but additional data are needed to prove that conclusively. Therefore, this variant has been classified as Likely Pathogenic.

Literature cited by the submitters: PubMed 25919557; PubMed 21160490; PubMed 27322623.